The following is an entry in ClinVar:

ClinVar aggregate classification (germline): Uncertain significance. Review status: criteria provided, multiple submitters, no conflicts (2 of 4 stars). 2 submissions from 2 submitters: Uncertain significance (2). Last evaluated 2024-07-28.

Conditions:
Hereditary cancer-predisposing syndrome. Also called: Hereditary Cancer Syndrome; Hereditary neoplastic syndrome; Neoplastic Syndromes, Hereditary; Tumor predisposition. Identifiers: Orphanet 140162, MedGen C0027672, MeSH D009386, MONDO:0015356.
Breast-ovarian cancer, familial, susceptibility to, 4. Identifiers: Orphanet 145, MedGen C3280345, MONDO:0013669, OMIM 614291.

Submissions (2):

Ambry Genetics
Classification: Uncertain significance for Hereditary cancer-predisposing syndrome. Last evaluated: 2024-07-28. Review status: criteria provided, single submitter. Criteria: Ambry Variant Classification Scheme 2023. Collection method: clinical testing. Allele origin: germline.
Comment: The p.D30H variant (also known as c.88G>C), located in coding exon 2 of the RAD51D gene, results from a G to C substitution at nucleotide position 88. The aspartic acid at codon 30 is replaced by histidine, an amino acid with similar properties. This amino acid position is conserved. In addition, this alteration is predicted to be deleterious by in silico analysis. Based on the available evidence, the clinical significance of this variant remains unclear.

Labcorp Genetics (formerly Invitae), Labcorp
Classification: Uncertain significance for Breast-ovarian cancer, familial, susceptibility to, 4. Last evaluated: 2022-08-10. Review status: criteria provided, single submitter. Criteria: Invitae Variant Classification Sherloc (09022015). Collection method: clinical testing. Allele origin: germline.
Comment: In summary, the available evidence is currently insufficient to determine the role of this variant in disease. Therefore, it has been classified as a Variant of Uncertain Significance. Algorithms developed to predict the effect of missense changes on protein structure and function are either unavailable or do not agree on the potential impact of this missense change (SIFT: "Deleterious"; PolyPhen-2: "Probably Damaging"; Align-GVGD: "Class C0"). ClinVar contains an entry for this variant (Variation ID: 1063122). This variant has not been reported in the literature in individuals affected with RAD51D-related conditions. This variant is not present in population databases (gnomAD no frequency). This sequence change replaces aspartic acid, which is acidic and polar, with histidine, which is basic and polar, at codon 30 of the RAD51D protein (p.Asp30His).

NM_002878.4(RAD51D):c.88G>C (p.Asp30His)

Genes: RAD51D (RAD51 paralog D; minus strand), RAD51L3-RFFL (RAD51L3-RFFL readthrough; minus strand). Cytogenetic location: 17q12.
Variant type: single nucleotide variant.
Coding change: c.88G>C on transcript NM_002878.4 (MANE Select); coding-DNA position 88, G replaced by C.
Protein change: p.Asp30His; replaces aspartic acid 30 with histidine.
Molecular consequence: missense variant. On other transcripts: non-coding transcript variant (2).
Genome position (GRCh38, 1-based): chr17:35,119,167, C>G on the plus strand (G>C on the coding strand, the complement: RAD51D is on the minus strand). VCF-style: chr17-35119167-C-G. GRCh37 (hg19) VCF-style: chr17-33446186-C-G.
Other names: c.88G>C (NM_002878.3); c.88G>C, p.Asp30His (NM_001142571.2, NM_133629.3); short protein forms D30H.
Identifiers: ClinVar variation 1063122 (VCV001063122.10), dbSNP rs2142477868, ClinGen allele CA399092026.